The following is an entry in ClinVar:

ClinVar aggregate classification (germline): Uncertain significance. Review status: criteria provided, multiple submitters, no conflicts (2 of 4 stars). 2 submissions from 2 submitters: Uncertain significance (2). Last evaluated 2025-04-17.

Allele frequency attached by ClinVar (database versions not stated): ExAC 0.00002; gnomAD exomes 0.00002.
gnomAD v4.1: 26 of 1,613,268 alleles (0.0016%); highest among the groups gnomAD compares: Middle Eastern, 0.033%; no homozygotes.

Submissions (2):

GeneDx
Classification: Uncertain significance. Last evaluated: 2025-04-17. Review status: criteria provided, single submitter. Criteria: GeneDx Variant Classification Process June 2021. Collection method: clinical testing. Allele origin: germline. Affected: yes.
Comment: In silico analysis supports that this missense variant has a deleterious effect on protein structure/function; In vitro functional study shows that variant p.P237L may affect DPYD activity, but the biological significance of the moderate change is unclear (PMID: 27727460); This variant is associated with the following publications: (PMID: 27727460)

Women's Health and Genetics/Laboratory Corporation of America, LabCorp
Classification: Uncertain significance. Last evaluated: 2022-11-04. Review status: criteria provided, single submitter. Criteria: LabCorp Variant Classification Summary - May 2015. Collection method: clinical testing. Allele origin: germline.
Comment: Variant summary: DPYD c.710C>T (p.Pro237Leu) results in a non-conservative amino acid change located in the FAD/NAD(P)-binding domain (IPR023753) of the encoded protein sequence. Five of five in-silico tools predict a damaging effect of the variant on protein function. The variant allele was found at a frequency of 2.4e-05 in 251322 control chromosomes (gnomAD). The available data on variant occurrences in the general population are insufficient to allow any conclusion about variant significance. To our knowledge c.710C>T has not been reported in the literature in individuals affected with Dihydropyrimidine Dehydrogenase Deficiency. At least one publication reports experimental evidence evaluating an impact on protein function. The most pronounced variant effect results in >50%-90% of normal activity (example:Elraiyah_2017). No clinical diagnostic laboratories have submitted clinical-significance assessments for this variant to ClinVar after 2014. Based on the evidence outlined above, the variant was classified as uncertain significance.

Literature cited by the submitters: PubMed 27727460 (cited by Women's Health and Genetics/Laboratory Corporation of America, LabCorp).

NM_000110.4(DPYD):c.710C>T (p.Pro237Leu)

Gene: DPYD (dihydropyrimidine dehydrogenase; minus strand). Cytogenetic location: 1p21.3.
Variant type: single nucleotide variant.
Coding change: c.710C>T on transcript NM_000110.4 (MANE Select); coding-DNA position 710, C replaced by T.
Protein change: p.Pro237Leu; replaces proline 237 with leucine.
Molecular consequence: missense variant.
Genome position (GRCh38, 1-based): chr1:97,691,769, G>A on the plus strand (C>T on the coding strand, the complement: DPYD is on the minus strand). VCF-style: chr1-97691769-G-A. GRCh37 (hg19) VCF-style: chr1-98157325-G-A.
Other names: short protein forms P237L.
Identifiers: ClinVar variation 1804875 (VCV001804875.2), dbSNP rs780025995, ClinGen allele CA963579.